The following is an entry in ClinVar:

ClinVar aggregate classification (germline): Uncertain significance (1 of 4 stars; one submission).

Submission:

GeneDx
Classification: Uncertain significance. Last evaluated: 2025-01-14. Review status: criteria provided, single submitter. Criteria: GeneDx Variant Classification Process June 2021. Collection method: clinical testing. Allele origin: germline. Affected: yes.
Comment: Not observed at significant frequency in large population cohorts (gnomAD); In silico analysis indicates that this missense variant does not alter protein structure/function; Has not been previously published as pathogenic or benign to our knowledge

NM_005909.5(MAP1B):c.4430A>C (p.Lys1477Thr)

Gene: MAP1B (microtubule associated protein 1B; plus strand). Cytogenetic location: 5q13.2.
Variant type: single nucleotide variant.
Coding change: c.4430A>C on transcript NM_005909.5 (MANE Select); coding-DNA position 4430, A replaced by C.
Protein change: p.Lys1477Thr; replaces lysine 1477 with threonine.
Molecular consequence: missense variant.
Genome position (GRCh38, 1-based): chr5:72,197,785, A>C. VCF-style: chr5-72197785-A-C. GRCh37 (hg19) VCF-style: chr5-71493612-A-C.
Other names: c.4052A>C, p.Lys1351Thr (NM_001324255.2); short protein forms K1351T, K1477T.
Identifiers: ClinVar variation 4070679 (VCV004070679.1).